The following is an entry in ClinVar:

ClinVar aggregate classification (germline): Benign/Likely benign. Review status: criteria provided, multiple submitters, no conflicts (2 of 4 stars). 4 submissions from 4 submitters: Benign (1); Likely benign (3). Last evaluated 2025-11-09.

Conditions:
Multiple endocrine neoplasia type 2A. Also called: MULTIPLE ENDOCRINE NEOPLASIA, TYPE IIA; PTC SYNDROME; SIPPLE SYNDROME; MEN 2A; MEN-2A syndrome; Pheochromocytoma and amyloid producing medullary thyroid carcinoma. Identifiers: Orphanet 247698, Orphanet 653, MedGen C0025268, MeSH D018813, MONDO:0008234, OMIM 171400.
Multiple endocrine neoplasia type 2B. Also called: MUCOSAL NEUROMA SYNDROME; Multiple endocrine neoplasia, type 3; MULTIPLE ENDOCRINE NEOPLASIA, TYPE IIB; MEN IIB; NEUROMATA, MUCOSAL, WITH ENDOCRINE TUMORS; WAGENMANN-FROBOESE SYNDROME. Identifiers: Orphanet 247709, Orphanet 653, MedGen C0025269, MeSH D018814, MONDO:0008082, OMIM 162300.
Pheochromocytoma. Also called: MAX-Related Hereditary Paraganglioma-Pheochromocytoma Syndrome. Identifiers: Orphanet 29072, MedGen C0031511, MONDO:0008233, OMIM 171300, HP:0002666.
Familial medullary thyroid carcinoma (MTC). Also called: Thyroid cancer, familial medullary; MTC, familial; Familial Medullary Thyroid Carcinoma (FMTC). Identifiers: Orphanet 653, Orphanet 99361, MedGen C1833921, MONDO:0007958, OMIM 155240.
Hirschsprung disease, susceptibility to, 1 (HSCR1). Also called: RET-Related Hirschsprung Disease. Identifiers: Orphanet 388, MedGen C3888239, MONDO:0007723, OMIM 142623.
Hereditary cancer-predisposing syndrome. Also called: Neoplastic Syndromes, Hereditary; Tumor predisposition; Hereditary Cancer Syndrome; Hereditary neoplastic syndrome. Identifiers: Orphanet 140162, MedGen C0027672, MeSH D009386, MONDO:0015356.
Multiple endocrine neoplasia, type 2 (MEN2). Identifiers: Orphanet 653, MedGen C4048306, MONDO:0019003. Disease mechanism: gain of function.

Allele frequency attached by ClinVar (database versions not stated): TOPMed below 0.00001.

Submissions (4):

Labcorp Genetics (formerly Invitae), Labcorp
Classification: Likely benign for Multiple endocrine neoplasia, type 2. Last evaluated: 2025-11-09. Review status: criteria provided, single submitter. Criteria: Invitae Variant Classification Sherloc (09022015). Collection method: clinical testing. Allele origin: germline.

Myriad Genetics, Inc.
Classification: Benign for Multiple endocrine neoplasia type 2A. Last evaluated: 2025-02-27. Review status: criteria provided, single submitter. Criteria: Myriad Autosomal Dominant, Autosomal Recessive and X-Linked Classification Criteria (2023). Collection method: clinical testing. Allele origin: unknown.
Comment: This variant is considered benign. This variant is a silent/synonymous amino acid change and it is not expected to impact splicing.

Ambry Genetics
Classification: Likely benign for Hereditary cancer-predisposing syndrome. Last evaluated: 2021-11-10. Review status: criteria provided, single submitter. Criteria: Ambry Variant Classification Scheme 2023. Collection method: clinical testing. Allele origin: germline.

Fulgent Genetics
Classification: Likely benign for Hirschsprung disease, susceptibility to, 1; Familial medullary thyroid carcinoma; Multiple endocrine neoplasia type 2B; Pheochromocytoma; Multiple endocrine neoplasia type 2A. Last evaluated: 2021-10-29. Review status: criteria provided, single submitter. Criteria: ACMG Guidelines, 2015. Collection method: clinical testing. Allele origin: unknown.

NM_020975.6(RET):c.2700T>C (p.Tyr900=)

Gene: RET (ret proto-oncogene; plus strand). Cytogenetic location: 10q11.21.
Variant type: single nucleotide variant.
Coding change: c.2700T>C on transcript NM_020975.6 (MANE Select); coding-DNA position 2700, T replaced by C.
Protein change: p.Tyr900=; no amino-acid change (tyrosine 900 retained).
Molecular consequence: synonymous variant.
Genome position (GRCh38, 1-based): chr10:43,120,173, T>C. VCF-style: chr10-43120173-T-C. GRCh37 (hg19) VCF-style: chr10-43615621-T-C.
Other names: c.2700T>C, p.Tyr900= (NM_000323.2, NM_001406743.1, NM_001406744.1 and 4 more transcripts); c.1938T>C, p.Tyr646= (NM_001355216.2); c.2571T>C, p.Tyr857= (NM_001406761.1, NM_001406762.1, NM_001406764.1); c.2565T>C, p.Tyr855= (NM_001406763.1, NM_001406765.1); c.2412T>C, p.Tyr804= (NM_001406766.1, NM_001406767.1, NM_001406770.1); c.2436T>C, p.Tyr812= (NM_001406768.1); c.2304T>C, p.Tyr768= (NM_001406769.1, NM_001406772.1); c.2262T>C, p.Tyr754= (NM_001406771.1, NM_001406773.1); and 10 more.
Identifiers: ClinVar variation 1103935 (VCV001103935.14), dbSNP rs1185622721, ClinGen allele CA469028962.